The following is an entry in ClinVar:

ClinVar aggregate classification (germline): Conflicting classifications of pathogenicity. Review status: criteria provided, conflicting classifications (1 of 4 stars). 5 submissions from 5 submitters: Uncertain significance (2); Likely benign (3). Last evaluated 2026-01-12.

Allele frequency attached by ClinVar (database versions not stated): gnomAD exomes 0.00138; 1000 Genomes Project 0.00140; 1000 Genomes Project 30x 0.00141; ESP Exome Variant Server 0.00154; gnomAD 0.00164 and 0.00167; TOPMed 0.00193; ExAC 0.00216.

Submissions (5):

Labcorp Genetics (formerly Invitae), Labcorp
Classification: Likely benign. Last evaluated: 2026-01-12. Review status: criteria provided, single submitter. Criteria: Invitae Variant Classification Sherloc (09022015). Collection method: clinical testing. Allele origin: germline.

Blueprint Genetics
Classification: Uncertain significance. Last evaluated: 2024-11-25. Review status: criteria provided, single submitter. Criteria: ACMG Guidelines, 2015. Collection method: clinical testing. Allele origin: germline.

CeGaT Center for Human Genetics Tuebingen
Classification: Likely benign. Last evaluated: 2023-08-01. Review status: criteria provided, single submitter. Criteria: CeGaT Center For Human Genetics Tuebingen Variant Classification Criteria Version 2. Collection method: clinical testing. Allele origin: germline. Affected: yes. Observed: 1 variant allele.
Comment: TPRN: BP4

GeneDx
Classification: Likely benign. Last evaluated: 2020-09-09. Review status: criteria provided, single submitter. Criteria: GeneDx Variant Classification Process June 2021. Collection method: clinical testing. Allele origin: germline. Affected: yes.

Center for Pediatric Genomic Medicine, Children's Mercy Hospital and Clinics
Classification: Uncertain significance. Last evaluated: 2017-01-25. Review status: criteria provided, single submitter. Criteria: ACMG Guidelines, 2015. Collection method: clinical testing. Allele origin: germline.
ClinVar note: Converted during submission from Uncertain Significance to Uncertain significance.

NM_001128228.3(TPRN):c.1261C>T (p.Pro421Ser)

Gene: TPRN (taperin; minus strand). Cytogenetic location: 9q34.3.
Variant type: single nucleotide variant.
Coding change: c.1261C>T on transcript NM_001128228.3 (MANE Select); coding-DNA position 1261, C replaced by T.
Protein change: p.Pro421Ser; replaces proline 421 with serine.
Molecular consequence: missense variant.
Genome position (GRCh38, 1-based): chr9:137,199,451, G>A on the plus strand (C>T on the coding strand, the complement: TPRN is on the minus strand). VCF-style: chr9-137199451-G-A. GRCh37 (hg19) VCF-style: chr9-140093903-G-A.
Other names: short protein forms P421S.
Identifiers: ClinVar variation 377178 (VCV000377178.40), dbSNP rs72763296, ClinGen allele CA5362783.